The following is an entry in ClinVar:

NM_001145252.3(CFP):c.65T>C (p.Leu22Pro)

Gene: CFP (complement factor properdin; minus strand). Cytogenetic location: Xp11.23.
Variant type: single nucleotide variant.
Coding change: c.65T>C on transcript NM_001145252.3 (MANE Select); coding-DNA position 65, T replaced by C.
Protein change: p.Leu22Pro; replaces leucine 22 with proline.
Molecular consequence: missense variant.
Genome position (GRCh38, 1-based): chrX:47,629,780, A>G on the plus strand (T>C on the coding strand, the complement: CFP is on the minus strand). VCF-style: chrX-47629780-A-G. GRCh37 (hg19) VCF-style: chrX-47489179-A-G.
Other names: c.65T>C, p.Leu22Pro (NM_002621.2); short protein forms L22P.
Identifiers: ClinVar variation 2168809 (VCV002168809.4), dbSNP rs894053231, ClinGen allele CA329072445.

ClinVar aggregate classification (germline): Uncertain significance (1 of 4 stars; one submission).

Allele frequency attached by ClinVar (database versions not stated): gnomAD exomes 0.00002; TOPMed 0.00003.
gnomAD v4.1: 16 of 1,169,402 alleles (0.0014%); highest among the groups gnomAD compares: Admixed American, 0.015%; no homozygotes.

Submission:

Labcorp Genetics (formerly Invitae), Labcorp
Classification: Uncertain significance. Last evaluated: 2025-03-13. Review status: criteria provided, single submitter. Criteria: Invitae Variant Classification Sherloc (09022015). Collection method: clinical testing. Allele origin: germline.
Comment: This sequence change replaces leucine, which is neutral and non-polar, with proline, which is neutral and non-polar, at codon 22 of the CFP protein (p.Leu22Pro). The frequency data for this variant in the population databases is considered unreliable, as metrics indicate poor data quality at this position in the gnomAD database. This variant has not been reported in the literature in individuals affected with CFP-related conditions. ClinVar contains an entry for this variant (Variation ID: 2168809). An algorithm developed to predict the effect of missense changes on protein structure and function (PolyPhen-2) suggests that this variant is likely to be disruptive. In summary, the available evidence is currently insufficient to determine the role of this variant in disease. Therefore, it has been classified as a Variant of Uncertain Significance.